The following is an entry in ClinVar:

NM_172107.4(KCNQ2):c.850T>G (p.Tyr284Asp)

Gene: KCNQ2 (potassium voltage-gated channel subfamily Q member 2; minus strand). Cytogenetic location: 20q13.33.
Variant type: single nucleotide variant.
Coding change: c.850T>G on transcript NM_172107.4 (MANE Select); coding-DNA position 850, T replaced by G.
Protein change: p.Tyr284Asp; replaces tyrosine 284 with aspartic acid.
Molecular consequence: missense variant.
Genome position (GRCh38, 1-based): chr20:63,439,675, A>C on the plus strand (T>G on the coding strand, the complement: KCNQ2 is on the minus strand). VCF-style: chr20-63439675-A-C. GRCh37 (hg19) VCF-style: chr20-62071028-A-C.
Other names: c.850T>G, p.Tyr284Asp (NM_004518.6, NM_172106.3, NM_172108.5 and 1 more transcripts); short protein forms Y284D.
Identifiers: ClinVar variation 219234 (VCV000219234.4), dbSNP rs864321706, ClinGen allele CA347949.

ClinVar aggregate classification (germline): Pathogenic (0 of 4 stars; one submission).

Conditions:
Developmental and epileptic encephalopathy, 7 (DEE7). Also called: KCNQ2-Related Neonatal Epileptic Encephalopathy; Early infantile epileptic encephalopathy 7; KCNQ2-Related Neonatal-Onset Developmental and Epileptic Encephalopathy (NEO-DEE). Identifiers: Orphanet 439218, MedGen C3150986, MONDO:0013387, OMIM 613720.

Submissions (7):

Channelopathy-Associated Epilepsy Research Center
No classification provided (evidence only). Condition: Complex neurodevelopmental disorder. Review status: no classification provided. Collection method: literature only. Allele origin: not applicable. Functional consequence: Severe decrease in peak current, Normal rate of activation, Severe depolarizing shift of voltage dependence of activation. Not counted in ClinVar's aggregate classification.
ClinVar note: "not provided" was previously submitted as the classification for the variant. However, the classification appeared to be based only on an observation of functional data so it was converted to no classification on 2025-07-30.

Channelopathy-Associated Epilepsy Research Center
No classification provided (evidence only). Review status: no classification provided. Collection method: in vitro. Allele origin: not applicable. Functional consequence: Decrease in peak current. Not counted in ClinVar's aggregate classification.

Channelopathy-Associated Epilepsy Research Center
No classification provided (evidence only). Review status: no classification provided. Collection method: in vitro. Allele origin: not applicable. Functional consequence: Decrease in peak current. Not counted in ClinVar's aggregate classification.

Channelopathy-Associated Epilepsy Research Center
No classification provided (evidence only). Review status: no classification provided. Collection method: in vitro. Allele origin: not applicable. Functional consequence: Normal voltage dependence of activation. Not counted in ClinVar's aggregate classification.

Channelopathy-Associated Epilepsy Research Center
No classification provided (evidence only). Review status: no classification provided. Collection method: in vitro. Allele origin: not applicable. Functional consequence: Increase in slope of activation. Not counted in ClinVar's aggregate classification.

Channelopathy-Associated Epilepsy Research Center
No classification provided (evidence only). Review status: no classification provided. Collection method: in vitro. Allele origin: not applicable. Functional consequence: Normal rate of activation. Not counted in ClinVar's aggregate classification.

NeuroMeGen, Hospital Clinico Santiago de Compostela
Classification: Pathogenic for Developmental and epileptic encephalopathy, 7. Review status: no assertion criteria provided. Criteria: ACMG Guidelines, 2015. Collection method: clinical testing. Allele origin: de novo. Affected: yes.

Literature cited by the submitters: PubMed 35104249 (cited by Channelopathy-Associated Epilepsy Research Center).